The following is an entry in ClinVar:

ClinVar aggregate classification (germline): Pathogenic/Likely pathogenic. Review status: criteria provided, multiple submitters, no conflicts (2 of 4 stars). 20 submissions from 20 submitters: Pathogenic (13); Likely pathogenic (3). 4 of the submissions do not count toward it. Last evaluated 2026-08-19.

Conditions:
NPHS2-related disorder. Also called: NPHS2-related condition.
Nephrotic syndrome, type 2 (NPHS2). Also called: NEPHROTIC SYNDROME, STEROID-RESISTANT, AUTOSOMAL RECESSIVE. Identifiers: Orphanet 656, MedGen C1868672, MONDO:0010974, OMIM 600995.
Steroid-resistant nephrotic syndrome. Identifiers: MedGen C0403397, MONDO:0044765, HP:0012588.
Nephrotic range proteinuria. Identifiers: MedGen C0445118, HP:0012593.
Focal segmental glomerulosclerosis (FSGS). Also called: Glomerulosclerosis, focal; Focal sclerosis with hyalinosis. Identifiers: MedGen C0017668, MONDO:0100313, HP:0000097. Disease mechanism: loss of function.
Chronic kidney disease. Identifiers: MedGen C1561643, MONDO:0005300, HP:0012622.

Submissions 1 to 14 of 20:

GeneDx
Classification: Pathogenic. Last evaluated: 2026-08-19. Review status: criteria provided, single submitter. Criteria: GeneDx Variant Classification Process June 2021. Collection method: clinical testing. Allele origin: germline.
Comment: Frameshift variant predicted to result in abnormal protein length as the last 98 amino acid(s) are replaced with 16 different amino acid(s), and other similar variants have been reported in HGMD/the published literature; This variant is associated with the following publications: (PMID: 24227627, 18823551, 12464671, 30295827, 15769810, 15327385, 15253708, 15322893, 30260545, 30655312, 25949442, 14978175, 11805166, 10742096, 17699384, 19145239, 31589614, 33226606, 39143486, 38765578, 35314707, 35802272, 31308072, 38182294, 33144682, 32581362, 38338714, 38972501)

Victorian Clinical Genetics Services, Murdoch Childrens Research Institute
Classification: Pathogenic for Nephrotic syndrome, type 2. Last evaluated: 2026-06-21. Review status: criteria provided, single submitter. Criteria: ACMG Guidelines, 2015. Collection method: clinical testing. Allele origin: germline. Affected: yes.
Comment: This variant is classified as Pathogenic. Evidence in support of pathogenic classification: Variant is predicted to result in a truncated protein (premature termination codon is NOT located at least 54 nucleotides upstream of the final exon-exon junction) with less than 1/3 of the protein sequence affected; Variant is present in gnomAD <0.01 for a recessive condition (v4: 220 heterozygote(s), 0 homozygote(s)); This variant has strong previous evidence of pathogenicity in unrelated individuals. This variant has been classified as pathogenic or likely pathogenic by clinical laboratories in ClinVar; Other downstream truncating variants comparable to the one identified in this case have very strong previous evidence for pathogenicity (DECIPHER). Additional information: This variant is heterozygous; This gene is associated with autosomal recessive disease; Loss of function is a known mechanism of disease in this gene and is associated with nephrotic syndrome, type 2 (MIM#600995); Inheritance information for this variant is not currently available in this individual.

Dasa
Classification: Pathogenic for Nephrotic syndrome, type 2. Last evaluated: 2026-01-30. Review status: criteria provided, single submitter. Criteria: DASA Assertion Criteria. Collection method: clinical testing. Allele origin: germline.
Comment: NM_014625.4(NPHS2):c.855_856del (p.Arg286ThrfsTer17) is a frameshift variant in NPHS2 predicted to alter the reading frame and introduce a premature termination codon and is predicted to result in an absent or altered protein product. Loss of function is an established disease mechanism for NPHS2-associated disorders. This variant has been recurrently observed in individuals with NPHS2-related disorders (PMID: 18823551; PMID: 20947785; PMID: 21355056; PMID: 24509478). Also, this variant is rare in population databases. Based on the currently available evidence, this variant is classified as pathogenic.

Labcorp Genetics (formerly Invitae), Labcorp
Classification: Pathogenic. Last evaluated: 2025-12-30. Review status: criteria provided, single submitter. Criteria: Invitae Variant Classification Sherloc (09022015). Collection method: clinical testing. Allele origin: germline.
Comment: This sequence change creates a premature translational stop signal (p.Arg286Thrfs*17) in the NPHS2 gene. While this is not anticipated to result in nonsense mediated decay, it is expected to disrupt the last 98 amino acid(s) of the NPHS2 protein. This variant is present in population databases (rs749740335, gnomAD 0.01%). This premature translational stop signal has been observed in individuals with steroid resistant nephrotic syndrome (PMID: 11805166, 18823551, 20947785, 21355056, 24509478). ClinVar contains an entry for this variant (Variation ID: 188823). For these reasons, this variant has been classified as Pathogenic.

Natera, Inc.
Classification: Pathogenic for Steroid-resistant nephrotic syndrome. Last evaluated: 2025-10-22. Review status: criteria provided, single submitter. Criteria: Natera Variant Classification Schema (03/2026). Collection method: clinical testing. Allele origin: germline.
Comment: The c.855_856delAA variant in NPHS2 is a frameshift variant predicted to shift the reading frame beginning at codon 286 and leads to a stop codon 17 codons downstream. This variant is expected to result in nonsense mediated decay, truncation, or a dysfunctional protein product. This variant is rare in the general population with a frequency below the threshold expected for the associated phenotype(s). This variant has been observed in one or more individuals affected with the associated recessive disease, as either homozygous or compound heterozygous with a second variant (PMID: 18823551, 20507940, 29127259). Given the available evidence, this variant is classified as Pathogenic.

Blueprint Genetics
Classification: Pathogenic for NPHS2-related disorders. Last evaluated: 2024-11-25. Review status: criteria provided, single submitter. Criteria: ACMG Guidelines, 2015. Collection method: clinical testing. Allele origin: germline. Affected: yes. Observed: 5 variant alleles.

Fulgent Genetics
Classification: Pathogenic for Nephrotic syndrome, type 2. Last evaluated: 2024-04-09. Review status: criteria provided, single submitter. Criteria: ACMG Guidelines, 2015. Collection method: clinical testing. Allele origin: germline.

Baylor Genetics
Classification: Pathogenic for Nephrotic syndrome, type 2. Last evaluated: 2024-03-27. Review status: criteria provided, single submitter. Criteria: ACMG Guidelines, 2015. Collection method: clinical testing. Allele origin: unknown.

Daryl Scott Lab, Baylor College of Medicine
Classification: Pathogenic for Nephrotic syndrome, type 2. Last evaluated: 2024-01-01. Review status: criteria provided, single submitter. Criteria: ACMG Guidelines, 2015. Collection method: clinical testing. Allele origin: maternal. Observed: 1 heterozygote.
Comment: PVS1_moderate, PS4

Genome-Nilou Lab
Classification: Likely pathogenic for Nephrotic syndrome, type 2. Last evaluated: 2023-04-11. Review status: criteria provided, single submitter. Criteria: ACMG Guidelines, 2015. Collection method: clinical testing. Allele origin: germline. Affected: no.

Revvity Omics, Revvity
Classification: Likely pathogenic for Nephrotic syndrome, type 2. Last evaluated: 2021-05-13. Review status: criteria provided, single submitter. Criteria: ACMG Guidelines, 2015. Collection method: clinical testing. Allele origin: germline.

Genome Diagnostics Laboratory, The Hospital for Sick Children
Classification: Pathogenic for Focal segmental glomerulosclerosis. Last evaluated: 2020-12-30. Review status: criteria provided, single submitter. Criteria: ACMG Guidelines, 2015. Collection method: clinical testing. Allele origin: germline.

Cavalleri Lab, Royal College of Surgeons in Ireland
Classification: Likely pathogenic for Chronic kidney disease. Last evaluated: 2020-05-28. Review status: criteria provided, single submitter. Criteria: ACMG Guidelines, 2015. Collection method: research. Allele origin: unknown. Inheritance: Autosomal recessive inheritance. Affected: yes.
Comment: PVS1, PM3

Myriad Genetics, Inc.
Classification: Pathogenic for Nephrotic syndrome, type 2. Last evaluated: 2020-01-03. Review status: criteria provided, single submitter. Criteria: Myriad Women's Health Autosomal Recessive and X-Linked Classification Criteria (2019). Collection method: clinical testing. Allele origin: unknown.
Comment: NM_014625.2(NPHS2):c.855_856delAA(R286Tfs*17) is classified as pathogenic in the context of NPHS2-related nephrotic syndrome. Sources cited for classification include the following: PMID 11805166, 18823551, 19406966, 24742477 and 15327385. Classification of NM_014625.2(NPHS2):c.855_856delAA(R286Tfs*17) is based on the following criteria: The variant causes a premature termination codon that is not expected to be targeted by nonsense-mediated mRNA decay; however, literature evidence strongly supports pathogenicity. Please note: this variant was assessed in the context of healthy population screening.

NM_014625.4(NPHS2):c.855_856del (p.Arg286fs)

Genes: NPHS2 (NPHS2 stomatin family member, podocin; minus strand), AXDND1 (axonemal dynein light chain domain containing 1; plus strand). Cytogenetic location: 1q25.2.
Variant type: Deletion.
Coding change: c.855_856del on transcript NM_014625.4 (MANE Select); coding-DNA positions 855 to 856, 2 bases deleted (AA; older notation c.855_856delAA).
Protein change: p.Arg286fs; shifts the reading frame from arginine 286.
Molecular consequence: frameshift variant. On other transcripts: intron variant (1).
Genome position (GRCh38, 1-based): chr1:179,552,620-179,552,621, TT deleted on the plus strand (AA on the coding strand, the reverse complement: NPHS2 is on the minus strand); deleting any 2 consecutive bases within chr1:179,552,620-179,552,622 gives the same sequence; the c. name uses the placement nearest the transcript's 3' end. VCF-style (leftmost placement, unchanged base first): chr1-179552619-CTT-C. GRCh37 (hg19) VCF-style: chr1-179521754-CTT-C.
Other names: c.855_856delAA (NM_014625.3, NM_014625.4); c.855_856del (NM_014625.2); c.651_652del, p.Arg218fs (NM_001297575.2); c.854_855delAA, p.Arg286Thrfs (NM_014625.3); c.3032-1891_3032-1890del (NM_144696.6); short protein forms R286fs, R218fs.
Identifiers: ClinVar variation 188823 (VCV000188823.44), dbSNP rs749740335, ClinGen allele CA199073.